The following is an entry in ClinVar:

NM_032620.4(GTPBP3):c.591+52C>T

Gene: GTPBP3 (GTP binding protein 3, mitochondrial; plus strand). Cytogenetic location: 19p13.11.
Variant type: single nucleotide variant.
Coding change: c.591+52C>T on transcript NM_032620.4 (MANE Select); 52 bases into the intron after coding-DNA position 591, C replaced by T.
Molecular consequence: intron variant.
Genome position (GRCh38, 1-based): chr19:17,338,793, C>T. VCF-style: chr19-17338793-C-T. GRCh37 (hg19) VCF-style: chr19-17449602-C-T.
Other names: c.657+52C>T (NM_001195422.1); c.591+52C>T (NM_133644.4, NM_001128855.3).
Identifiers: ClinVar variation 676127 (VCV000676127.2), dbSNP rs75211789, ClinGen allele CA9293409.
Genomic context (GRCh38, chr19:17,338,793, plus strand): 5'-CTCACCAAAGCAAGTCCCCCATTTGTCCATTCTCTCCCTCAGAGACCCCATCTGTGCAAC[C>T]CCTGCATGAGACCCCCTCTCAATCCCGCATTCATTCCCTGCGTGAAAGCTTCCGGCCTAT-3'

ClinVar aggregate classification (germline): Benign. Review status: criteria provided, multiple submitters, no conflicts (2 of 4 stars). 2 submissions from 2 submitters: Benign (2). Last evaluated 2018-06-14.

Allele frequency attached by ClinVar (database versions not stated): 1000 Genomes Project 30x 0.04809; 1000 Genomes Project 0.04852; gnomAD exomes 0.08054 and 0.09921; TOPMed 0.08181; ESP Exome Variant Server 0.08301; ExAC 0.08457; gnomAD 0.08486 and 0.08752.
gnomAD v4.1: 151,874 of 1,558,686 alleles (9.7%); highest among the groups gnomAD compares: Non-Finnish European, 11%; 8,037 homozygotes.

Submissions (2):

GeneDx
Classification: Benign. Last evaluated: 2018-06-14. Review status: criteria provided, single submitter. Criteria: GeneDx Variant Classification (06012015). Collection method: clinical testing. Allele origin: germline. Affected: yes.
Comment: This variant is considered likely benign or benign based on one or more of the following criteria: it is a conservative change, it occurs at a poorly conserved position in the protein, it is predicted to be benign by multiple in silico algorithms, and/or has population frequency not consistent with disease.

Breakthrough Genomics
Classification: Benign. Review status: criteria provided, single submitter. Criteria: ACMG Guidelines, 2015. Collection method: not provided. Allele origin: germline. Inheritance: Autosomal recessive inheritance. Affected: yes.